The following is an entry in ClinVar:

ClinVar aggregate classification (germline): Uncertain significance (1 of 4 stars; one submission).

Conditions:
Hereditary cancer-predisposing syndrome. Also called: Neoplastic Syndromes, Hereditary; Tumor predisposition; Hereditary Cancer Syndrome; Hereditary neoplastic syndrome. Identifiers: Orphanet 140162, MedGen C0027672, MeSH D009386, MONDO:0015356.

Allele frequency attached by ClinVar (database versions not stated): gnomAD exomes below 0.00001.
gnomAD v4.1: 1 of 1,613,454 alleles (0.000062%); highest among the groups gnomAD compares: Non-Finnish European, 0.000085%; no homozygotes.

Submission:

Labcorp Genetics (formerly Invitae), Labcorp
Classification: Uncertain significance for Hereditary cancer-predisposing syndrome. Last evaluated: 2020-05-29. Review status: criteria provided, single submitter. Criteria: Invitae Variant Classification Sherloc (09022015). Collection method: clinical testing. Allele origin: germline.
Comment: Algorithms developed to predict the effect of missense changes on protein structure and function output the following: SIFT: "Tolerated"; PolyPhen-2: "Benign"; Align-GVGD: "Class C0". The valine amino acid residue is found in multiple mammalian species, suggesting that this missense change does not adversely affect protein function. These predictions have not been confirmed by published functional studies. In summary, this variant is a novel missense change that is not predicted to affect protein function. There is no indication that it causes disease, but the available evidence is currently insufficient to prove that conclusively. Therefore, it has been classified as a Variant of Uncertain Significance. This sequence change replaces isoleucine with valine at codon 984 of the RAD50 protein (p.Ile984Val). The isoleucine residue is weakly conserved and there is a small physicochemical difference between isoleucine and valine. This variant is not present in population databases (ExAC no frequency) and has not been reported in the literature in individuals with a RAD50-related disease.

NM_005732.4(RAD50):c.2950A>G (p.Ile984Val)

Gene: RAD50 (RAD50 double strand break repair protein; plus strand). Cytogenetic location: 5q31.1.
Variant type: single nucleotide variant.
Coding change: c.2950A>G on transcript NM_005732.4 (MANE Select); coding-DNA position 2950, A replaced by G.
Protein change: p.Ile984Val; replaces isoleucine 984 with valine.
Molecular consequence: missense variant.
Genome position (GRCh38, 1-based): chr5:132,609,310, A>G. VCF-style: chr5-132609310-A-G. GRCh37 (hg19) VCF-style: chr5-131945002-A-G.
Other names: short protein forms I984V.
Identifiers: ClinVar variation 457425 (VCV000457425.11), dbSNP rs1554099392, ClinGen allele CA360960389.
Genomic context (GRCh38, chr5:132,609,310, plus strand): 5'-ATTCATGTGCTTAAAGAATTTTCTTTTTTGTAGCAAAAAGAAACTGAACTTAATAAAGTA[A>G]TAGCTCAACTAAGTGAATGCGAGAAACACAAAGAAAAGATAAATGAAGATATGAGACTCA-3'
Protein context (NP_005723.2, residues 974-994): KQKETELNKV[Ile984Val]AQLSECEKHK